The following is an entry in ClinVar:

ClinVar aggregate classification (germline): Uncertain significance (1 of 4 stars; one submission).

gnomAD v4.1: 1 of 1,613,904 alleles (0.000062%); no homozygotes.

Submission:

Labcorp Genetics (formerly Invitae), Labcorp
Classification: Uncertain significance. Last evaluated: 2025-10-21. Review status: criteria provided, single submitter. Criteria: Invitae Variant Classification Sherloc (09022015). Collection method: clinical testing. Allele origin: germline.
Comment: This sequence change falls in intron 29 of the POLR3A gene. It does not directly change the encoded amino acid sequence of the POLR3A protein. It affects a nucleotide within the consensus splice site. This variant is not present in population databases (gnomAD no frequency). This variant has not been reported in the literature in individuals affected with POLR3A-related conditions. ClinVar contains an entry for this variant (Variation ID: 1422576). Variants that disrupt the consensus splice site are a relatively common cause of aberrant splicing (PMID: 17576681, 9536098). Algorithms developed to predict the effect of sequence changes on RNA splicing suggest that this variant may disrupt the consensus splice site. In summary, the available evidence is currently insufficient to determine the role of this variant in disease. Therefore, it has been classified as a Variant of Uncertain Significance.

Literature cited by the submitters: PubMed 17576681; PubMed 9536098.

NM_007055.4(POLR3A):c.3892-3C>G

Gene: POLR3A (RNA polymerase III subunit A; minus strand). Cytogenetic location: 10q22.3.
Variant type: single nucleotide variant.
Coding change: c.3892-3C>G on transcript NM_007055.4 (MANE Select); 3 bases into the intron before coding-DNA position 3892, C replaced by G.
Molecular consequence: intron variant.
Genome position (GRCh38, 1-based): chr10:77,980,276, G>C on the plus strand (C>G on the coding strand, the complement: POLR3A is on the minus strand). VCF-style: chr10-77980276-G-C. GRCh37 (hg19) VCF-style: chr10-79740034-G-C.
Identifiers: ClinVar variation 1422576 (VCV001422576.6), dbSNP rs1847127624, ClinGen allele CA2573145777.